The following is an entry in ClinVar:

NM_006432.5(NPC2):c.352G>A (p.Glu118Lys)

Gene: NPC2 (NPC intracellular cholesterol transporter 2; minus strand). Cytogenetic location: 14q24.3.
Variant type: single nucleotide variant.
Coding change: c.352G>A on transcript NM_006432.5 (MANE Select); coding-DNA position 352, G replaced by A.
Protein change: p.Glu118Lys; replaces glutamic acid 118 with lysine.
Molecular consequence: missense variant.
Genome position (GRCh38, 1-based): chr14:74,484,426, C>T on the plus strand (G>A on the coding strand, the complement: NPC2 is on the minus strand). VCF-style: chr14-74484426-C-T. GRCh37 (hg19) VCF-style: chr14-74951129-C-T.
Other names: p.Glu118Lys; c.352G>A, p.Glu118Lys (NM_001363688.1, NM_001375440.1); c.352G>A (NM_006432.3, NM_006432.4); short protein forms E118K.
Identifiers: ClinVar variation 594094 (VCV000594094.9), dbSNP rs80358266, ClinGen allele CA7268145.
Genomic context (GRCh38, chr14:74,484,426, plus strand): 5'-CTAATCCAGTCCCAAGGCCTCCCGTGTCCTCAATAATGGTATCACTTACAGAGGGATATT[C>T]GCTTTTCACTGGTAGTTTATTCAGGTAGCTATAGGTCTTGTCTTTTTGGATAGGGCAGTT-3'
Protein context (NP_006423.1, residues 108-128): SYLNKLPVKS[Glu118Lys]YPSIKLVVEW

ClinVar aggregate classification (germline): Uncertain significance. Review status: criteria provided, multiple submitters, no conflicts (2 of 4 stars). 4 submissions from 4 submitters: Uncertain significance (4). Last evaluated 2026-07-28.

Conditions:
NPC2-related disorder. Also called: NPC2-related condition.
Niemann-Pick disease, type C2 (NPC2). Identifiers: Orphanet 646, MedGen C1843366, MONDO:0011873, OMIM 607625.

Allele frequency attached by ClinVar (database versions not stated): TOPMed 0.00004.
gnomAD v4.1: 36 of 1,613,972 alleles (0.0022%); highest among the groups gnomAD compares: Admixed American, 0.03%; no homozygotes.

Submissions (4):

PreventionGenetics, part of Exact Sciences
Classification: Uncertain significance for NPC2-related condition. Last evaluated: 2026-07-28. Review status: criteria provided, single submitter. Criteria: ACMG Guidelines, 2015. Collection method: clinical testing. Allele origin: germline.
Comment: The NPC2 c.352G>A variant is predicted to result in the amino acid substitution p.Glu118Lys. This variant has been reported in the heterozygous state without a second NPC2 variant in an individual with epilepsy, global developmental delay, vision and feeding abnormalities; however, additional variants in other genes were also identified which were considered more likely to be causative and pathogenicity of the NPC2 variant was not established (Butler et al. 2016. PubMed ID: 27875746). This variant is reported in 0.040% of alleles in individuals of Latino descent in gnomAD. At this time, the clinical significance of this variant is uncertain due to the absence of conclusive functional and genetic evidence.

Mayo Clinic Laboratories, Mayo Clinic
Classification: Uncertain significance. Last evaluated: 2025-09-05. Review status: criteria provided, single submitter. Criteria: ACMG Guidelines, 2015. Collection method: clinical testing. Allele origin: germline. Observed: 1 variant allele.

Labcorp Genetics (formerly Invitae), Labcorp
Classification: Uncertain significance for Niemann-Pick disease, type C2. Last evaluated: 2024-10-22. Review status: criteria provided, single submitter. Criteria: Invitae Variant Classification Sherloc (09022015). Collection method: clinical testing. Allele origin: germline.
Comment: This sequence change replaces glutamic acid, which is acidic and polar, with lysine, which is basic and polar, at codon 118 of the NPC2 protein (p.Glu118Lys). This variant is present in population databases (rs80358266, gnomAD 0.04%). This variant has not been reported in the literature in individuals affected with NPC2-related conditions. ClinVar contains an entry for this variant (Variation ID: 594094). An algorithm developed to predict the effect of missense changes on protein structure and function (PolyPhen-2) suggests that this variant is likely to be disruptive. In summary, the available evidence is currently insufficient to determine the role of this variant in disease. Therefore, it has been classified as a Variant of Uncertain Significance.

Eurofins Ntd Llc (ga)
Classification: Uncertain significance. Last evaluated: 2017-09-15. Review status: criteria provided, single submitter. Criteria: EGL Classification Definitions 2015. Collection method: clinical testing. Allele origin: germline. Observed: 1 variant allele, 1 heterozygote.

Literature cited by the submitters: PubMed 27875746 (cited by Mayo Clinic Laboratories, Mayo Clinic).